The following is an entry in ClinVar:

NM_017654.4(SAMD9):c.824A>G (p.His275Arg)

Gene: SAMD9 (sterile alpha motif domain containing 9; minus strand). Cytogenetic location: 7q21.2.
Variant type: single nucleotide variant.
Coding change: c.824A>G on transcript NM_017654.4 (MANE Select); coding-DNA position 824, A replaced by G.
Protein change: p.His275Arg; replaces histidine 275 with arginine.
Molecular consequence: missense variant.
Genome position (GRCh38, 1-based): chr7:93,105,274, T>C on the plus strand (A>G on the coding strand, the complement: SAMD9 is on the minus strand). VCF-style: chr7-93105274-T-C. GRCh37 (hg19) VCF-style: chr7-92734587-T-C.
Other names: c.824A>G, p.His275Arg (NM_001193307.2); short protein forms H275R.
Identifiers: ClinVar variation 1723847 (VCV001723847.4), dbSNP rs774344690, ClinGen allele CA161994357.

ClinVar aggregate classification (germline): Conflicting classifications of pathogenicity. Review status: criteria provided, conflicting classifications (1 of 4 stars). 3 submissions from 3 submitters: Uncertain significance (2); Likely benign (1). Last evaluated 2026-01-08.

Allele frequency attached by ClinVar (database versions not stated): gnomAD exomes 0.00001.

Submissions (3):

Labcorp Genetics (formerly Invitae), Labcorp
Classification: Uncertain significance. Last evaluated: 2026-01-08. Review status: criteria provided, single submitter. Criteria: Invitae Variant Classification Sherloc (09022015). Collection method: clinical testing. Allele origin: germline.
Comment: This sequence change replaces histidine, which is basic and polar, with arginine, which is basic and polar, at codon 275 of the SAMD9 protein (p.His275Arg). This variant is present in population databases (rs774344690, gnomAD 0.002%). This variant has not been reported in the literature in individuals affected with SAMD9-related conditions. ClinVar contains an entry for this variant (Variation ID: 1723847). Invitae Evidence Modeling of protein sequence and biophysical properties (such as structural, functional, and spatial information, amino acid conservation, physicochemical variation, residue mobility, and thermodynamic stability) indicates that this missense variant is not expected to disrupt SAMD9 protein function with a negative predictive value of 95%. In summary, the available evidence is currently insufficient to determine the role of this variant in disease. Therefore, it has been classified as a Variant of Uncertain Significance.

Laboratory of Genetics, Children's Clinical University Hospital Latvia
Classification: Likely benign. Last evaluated: 2025-02-16. Review status: criteria provided, single submitter. Criteria: ACMG Guidelines, 2015. Collection method: clinical testing. Allele origin: germline. Affected: yes.

GeneDx
Classification: Uncertain significance. Last evaluated: 2022-05-09. Review status: criteria provided, single submitter. Criteria: GeneDx Variant Classification Process June 2021. Collection method: clinical testing. Allele origin: germline. Affected: yes.
Comment: Not observed at significant frequency in large population cohorts (gnomAD); In silico analysis supports that this missense variant does not alter protein structure/function; Has not been previously published as pathogenic or benign to our knowledge